The following is an entry in ClinVar:

NM_001002295.2(GATA3):c.41_51del (p.His14fs)

Gene: GATA3 (GATA binding protein 3; plus strand). Cytogenetic location: 10p14.
Variant type: Deletion.
Coding change: c.41_51del on transcript NM_001002295.2 (MANE Select); coding-DNA positions 41 to 51, 11 bases deleted (ACCACCCCGCC).
Protein change: p.His14fs; shifts the reading frame from histidine 14.
Molecular consequence: frameshift variant.
Genome position (GRCh38, 1-based): chr10:8,055,696-8,055,706, ACCACCCCGCC deleted; deleting any 11 consecutive bases within chr10:8,055,694-8,055,706 gives the same sequence; the c. name uses the placement nearest the transcript's 3' end. VCF-style (leftmost placement, unchanged base first): chr10-8055693-ACCACCACCCCG-A. GRCh37 (hg19) VCF-style: chr10-8097656-ACCACCACCCCG-A.
Other names: c.41_51del, p.His14fs (NM_001441115.1, NM_001441116.1, NM_001441117.1 and 18 more transcripts); short protein forms H14fs.
Identifiers: ClinVar variation 5002162 (VCV005002162.1).

ClinVar aggregate classification (germline): Likely pathogenic (1 of 4 stars; one submission).

Conditions:
GATA3-related disorder. Also called: GATA3-related condition.

Submission:

PreventionGenetics, part of Exact Sciences
Classification: Likely pathogenic for GATA3-related condition. Last evaluated: 2025-02-11. Review status: criteria provided, single submitter. Criteria: ACMG Guidelines, 2015. Collection method: clinical testing. Allele origin: germline.
Comment: The GATA3 c.41_51del11 variant is predicted to result in a frameshift and premature protein termination (p.His14Argfs*35). To our knowledge, this variant has not been reported in the literature or in a large population database (gnomAD), indicating this variant is rare. Frameshift variants in GATA3 are expected to be pathogenic. This variant is interpreted as likely pathogenic.